The following is an entry in ClinVar:

NM_001018005.2(TPM1):c.520A>G (p.Ser174Gly)

Gene: TPM1 (tropomyosin 1; plus strand). Cytogenetic location: 15q22.2.
Variant type: single nucleotide variant.
Coding change: c.520A>G on transcript NM_001018005.2 (MANE Select); coding-DNA position 520, A replaced by G.
Protein change: p.Ser174Gly; replaces serine 174 with glycine.
Molecular consequence: missense variant. On other transcripts: non-coding transcript variant (17).
Genome position (GRCh38, 1-based): chr15:63,060,896, A>G. VCF-style: chr15-63060896-A-G. GRCh37 (hg19) VCF-style: chr15-63353095-A-G.
Other names: c.412A>G, p.Ser138Gly (NM_001365780.1, NM_001365781.2, NM_001365782.1 and 9 more transcripts); c.646A>G, p.Ser216Gly (NM_001407322.1, NM_001407323.1, NM_001407324.1 and 1 more transcripts); c.520A>G, p.Ser174Gly (NM_001407325.1, NM_001407326.1, NM_001407327.1 and 20 more transcripts); short protein forms S138G, S174G, S216G.
Identifiers: ClinVar variation 3624556 (VCV003624556.2).
Genomic context (GRCh38, chr15:63,060,896, plus strand): 5'-CCATGGTGTGTGTGTTGTGTCTTCCTGCTGCAGGTGGCCCGTAAGCTGGTCATCATTGAG[A>G]GCGACCTGGAACGTGCAGAGGAGCGGGCTGAGCTCTCAGAAGGGTAAGCGGGCCCGGCGC-3'
Protein context (NP_001018005.1, residues 164-184): EVARKLVIIE[Ser174Gly]DLERAEERAE

ClinVar aggregate classification (germline): Uncertain significance (1 of 4 stars; one submission).

Conditions:
Hypertrophic cardiomyopathy. Also called: HYPERTROPHIC MYOCARDIOPATHY. Identifiers: Orphanet 217569, MedGen C0007194, MeSH D002312, MONDO:0005045, HP:0001639.

Submission:

Labcorp Genetics (formerly Invitae), Labcorp
Classification: Uncertain significance for Hypertrophic cardiomyopathy. Last evaluated: 2024-09-18. Review status: criteria provided, single submitter. Criteria: Invitae Variant Classification Sherloc (09022015). Collection method: clinical testing. Allele origin: germline.
Comment: This sequence change replaces serine, which is neutral and polar, with glycine, which is neutral and non-polar, at codon 174 of the TPM1 protein (p.Ser174Gly). This variant is not present in population databases (gnomAD no frequency). This variant has not been reported in the literature in individuals affected with TPM1-related conditions. An algorithm developed to predict the effect of missense changes on protein structure and function (PolyPhen-2) suggests that this variant is likely to be tolerated. In summary, the available evidence is currently insufficient to determine the role of this variant in disease. Therefore, it has been classified as a Variant of Uncertain Significance.